The following is an entry in ClinVar:

ClinVar aggregate classification (germline): Uncertain significance (1 of 4 stars; one submission).

gnomAD v4.1: 1 of 1,614,200 alleles (0.000062%); highest among the groups gnomAD compares: Non-Finnish European, 0.000085%; no homozygotes.

Submission:

Labcorp Genetics (formerly Invitae), Labcorp
Classification: Uncertain significance. Last evaluated: 2025-11-16. Review status: criteria provided, single submitter. Criteria: Invitae Variant Classification Sherloc (09022015). Collection method: clinical testing. Allele origin: germline.
Comment: This sequence change replaces arginine, which is basic and polar, with glycine, which is neutral and non-polar, at codon 1845 of the CACNA1D protein (p.Arg1845Gly). This variant is not present in population databases (gnomAD no frequency). This variant has not been reported in the literature in individuals affected with CACNA1D-related conditions. An algorithm developed to predict the effect of missense changes on protein structure and function (PolyPhen-2) suggests that this variant is likely to be tolerated. In summary, the available evidence is currently insufficient to determine the role of this variant in disease. Therefore, it has been classified as a Variant of Uncertain Significance.

NM_001128840.3(CACNA1D):c.5473C>G (p.Arg1825Gly)

Gene: CACNA1D (calcium voltage-gated channel subunit alpha1 D; plus strand). Cytogenetic location: 3p21.1.
Variant type: single nucleotide variant.
Coding change: c.5473C>G on transcript NM_001128840.3 (MANE Select); coding-DNA position 5473, C replaced by G.
Protein change: p.Arg1825Gly; replaces arginine 1825 with glycine.
Molecular consequence: missense variant.
Genome position (GRCh38, 1-based): chr3:53,803,460, C>G. VCF-style: chr3-53803460-C-G. GRCh37 (hg19) VCF-style: chr3-53837487-C-G.
Other names: c.5533C>G, p.Arg1845Gly (NM_000720.4); c.5401C>G, p.Arg1801Gly (NM_001128839.3); short protein forms R1845G, R1801G, R1825G.
Identifiers: ClinVar variation 4698138 (VCV004698138.1).